The following is an entry in ClinVar:

NM_005055.5(RAPSN):c.418C>T (p.Gln140Ter)

Gene: RAPSN (receptor associated protein of the synapse; minus strand). Cytogenetic location: 11p11.2.
Variant type: single nucleotide variant.
Coding change: c.418C>T on transcript NM_005055.5 (MANE Select); coding-DNA position 418, C replaced by T.
Protein change: p.Gln140Ter; replaces glutamine 140 with a stop codon.
Molecular consequence: nonsense.
Genome position (GRCh38, 1-based): chr11:47,447,925, G>A on the plus strand (C>T on the coding strand, the complement: RAPSN is on the minus strand). VCF-style: chr11-47447925-G-A. GRCh37 (hg19) VCF-style: chr11-47469477-G-A.
Other names: c.418C>T, p.Gln140Ter (NM_032645.5); short protein forms Q140*.
Identifiers: ClinVar variation 1070359 (VCV001070359.8), dbSNP rs2153311231, ClinGen allele CA380334025.

ClinVar aggregate classification (germline): Pathogenic/Likely pathogenic. Review status: criteria provided, multiple submitters, no conflicts (2 of 4 stars). 2 submissions from 2 submitters: Pathogenic (1); Likely pathogenic (1). Last evaluated 2023-09-08.

Conditions:
Fetal akinesia deformation sequence 2. Identifiers: MedGen C4760576, MONDO:0100102, OMIM 618388.
Congenital myasthenic syndrome 11. Also called: MYASTHENIC SYNDROME, CONGENITAL, Ie; Myasthenic syndrome, congenital, 11, associated with acetylcholine receptor deficiency. Identifiers: Orphanet 590, MedGen C4225367, MONDO:0014588, OMIM 616326.
Fetal akinesia deformation sequence 1 (FADS1). Also called: Pena-Shokeir syndrome type I; Fetal akinesia sequence. Identifiers: Orphanet 994, MedGen C1276035, MONDO:0100101, OMIM 208150, HP:0001989.

gnomAD v4.1: 4 of 1,613,472 alleles (0.00025%); highest among the groups gnomAD compares: South Asian, 0.0044%; no homozygotes.

Submissions (2):

Labcorp Genetics (formerly Invitae), Labcorp
Classification: Pathogenic for Congenital myasthenic syndrome 11; Fetal akinesia deformation sequence 1. Last evaluated: 2023-09-08. Review status: criteria provided, single submitter. Criteria: Invitae Variant Classification Sherloc (09022015). Collection method: clinical testing. Allele origin: germline.
Comment: For these reasons, this variant has been classified as Pathogenic. ClinVar contains an entry for this variant (Variation ID: 1070359). This variant has not been reported in the literature in individuals affected with RAPSN-related conditions. This variant is not present in population databases (gnomAD no frequency). This sequence change creates a premature translational stop signal (p.Gln140*) in the RAPSN gene. It is expected to result in an absent or disrupted protein product. Loss-of-function variants in RAPSN are known to be pathogenic (PMID: 17686188).

Baylor Genetics
Classification: Likely pathogenic for Fetal akinesia deformation sequence 2. Last evaluated: 2023-03-10. Review status: criteria provided, single submitter. Criteria: ACMG Guidelines, 2015. Collection method: clinical testing. Allele origin: unknown.

Literature cited by the submitters: PubMed 17686188 (cited by Labcorp Genetics (formerly Invitae), Labcorp).